The following is an entry in ClinVar:

NM_000760.4(CSF3R):c.851C>T (p.Pro284Leu)

Gene: CSF3R (colony stimulating factor 3 receptor; minus strand). Cytogenetic location: 1p34.3.
Variant type: single nucleotide variant.
Coding change: c.851C>T on transcript NM_000760.4 (MANE Select); coding-DNA position 851, C replaced by T.
Protein change: p.Pro284Leu; replaces proline 284 with leucine.
Molecular consequence: missense variant.
Genome position (GRCh38, 1-based): chr1:36,472,384, G>A on the plus strand (C>T on the coding strand, the complement: CSF3R is on the minus strand). VCF-style: chr1-36472384-G-A. GRCh37 (hg19) VCF-style: chr1-36937985-G-A.
Other names: c.851C>T, p.Pro284Leu (NM_156039.3, NM_172313.3); c.851C>T (NM_000760.3); short protein forms P284L.
Identifiers: ClinVar variation 3620117 (VCV003620117.3).

ClinVar aggregate classification (germline): Uncertain significance. Review status: criteria provided, multiple submitters, no conflicts (2 of 4 stars). 2 submissions from 2 submitters: Uncertain significance (2). Last evaluated 2025-08-09.

Conditions:
Inborn genetic diseases. Identifiers: MedGen C0950123, MeSH D030342.
Autosomal recessive severe congenital neutropenia due to CSF3R deficiency. Also called: Neutropenia, severe congenital, 7, autosomal recessive. Identifiers: Orphanet 420702, MedGen C4310764, MONDO:0014865, OMIM 617014.

gnomAD v4.1: 4 of 1,613,894 alleles (0.00025%); highest among the groups gnomAD compares: African/African-American, 0.0053%; no homozygotes.

Submissions (2):

Ambry Genetics
Classification: Uncertain significance for Inborn genetic diseases. Last evaluated: 2025-08-09. Review status: criteria provided, single submitter. Criteria: Ambry Variant Classification Scheme 2023. Collection method: clinical testing. Allele origin: germline.

Labcorp Genetics (formerly Invitae), Labcorp
Classification: Uncertain significance for Autosomal recessive severe congenital neutropenia due to CSF3R deficiency. Last evaluated: 2024-04-03. Review status: criteria provided, single submitter. Criteria: Invitae Variant Classification Sherloc (09022015). Collection method: clinical testing. Allele origin: germline.
Comment: This sequence change replaces proline, which is neutral and non-polar, with leucine, which is neutral and non-polar, at codon 284 of the CSF3R protein (p.Pro284Leu). This variant is present in population databases (no rsID available, gnomAD 0.01%). This variant has not been reported in the literature in individuals affected with CSF3R-related conditions. Advanced modeling of protein sequence and biophysical properties (such as structural, functional, and spatial information, amino acid conservation, physicochemical variation, residue mobility, and thermodynamic stability) performed at Invitae indicates that this missense variant is not expected to disrupt CSF3R protein function with a negative predictive value of 80%. In summary, the available evidence is currently insufficient to determine the role of this variant in disease. Therefore, it has been classified as a Variant of Uncertain Significance.